The following is an entry in ClinVar:

NM_003718.5(CDK13):c.4461A>G (p.Gly1487=)

Gene: CDK13 (cyclin dependent kinase 13; plus strand). Cytogenetic location: 7p14.1.
Variant type: single nucleotide variant.
Coding change: c.4461A>G on transcript NM_003718.5 (MANE Select); coding-DNA position 4461, A replaced by G.
Protein change: p.Gly1487=; no amino-acid change (glycine 1487 retained).
Molecular consequence: synonymous variant.
Genome position (GRCh38, 1-based): chr7:40,094,902, A>G. VCF-style: chr7-40094902-A-G. GRCh37 (hg19) VCF-style: chr7-40134501-A-G.
Other names: c.4281A>G, p.Gly1427= (NM_031267.4).
Identifiers: ClinVar variation 3026453 (VCV003026453.22), dbSNP rs753346902, ClinGen allele CA4229131.

ClinVar aggregate classification (germline): Likely benign (1 of 4 stars; one submission).

Allele frequency attached by ClinVar (database versions not stated): gnomAD exomes below 0.00001; ExAC 0.00001; gnomAD 0.00001; TOPMed 0.00001.
gnomAD v4.1: 8 of 1,507,606 alleles (0.00053%); highest among the groups gnomAD compares: East Asian, 0.014%; no homozygotes.

Submission:

CeGaT Center for Human Genetics Tuebingen
Classification: Likely benign. Last evaluated: 2023-12-01. Review status: criteria provided, single submitter. Criteria: CeGaT Center For Human Genetics Tuebingen Variant Classification Criteria Version 2. Collection method: clinical testing. Allele origin: germline. Affected: yes. Observed: 1 variant allele.
Comment: CDK13: BP4, BP7